The following is an entry in ClinVar:

ClinVar aggregate classification (germline): Likely pathogenic (1 of 4 stars; one submission).

Conditions:
Alstrom syndrome (ALMS). Identifiers: Orphanet 64, MedGen C0268425, MONDO:0008763, OMIM 203800.

Submission:

Natera, Inc.
Classification: Likely pathogenic for Alstrom syndrome. Last evaluated: 2025-10-30. Review status: criteria provided, single submitter. Criteria: Natera Variant Classification Schema (03/2026). Collection method: clinical testing. Allele origin: germline.
Comment: The c.7865C>G variant in ALMS1 is a nonsense variant predicted to introduce a stop codon at amino acid 2622. This variant is expected to result in nonsense mediated decay, truncation, or a dysfunctional protein product. This variant is rare in the general population with a frequency below the threshold expected for the associated phenotype(s). Given the available evidence, this variant is classified as Likely Pathogenic.

NM_001378454.1(ALMS1):c.7862C>G (p.Ser2621Ter)

Gene: ALMS1 (ALMS1 centrosome and basal body associated protein; plus strand). Cytogenetic location: 2p13.1.
Variant type: single nucleotide variant.
Coding change: c.7862C>G on transcript NM_001378454.1 (MANE Select); coding-DNA position 7862, C replaced by G.
Protein change: p.Ser2621Ter; replaces serine 2621 with a stop codon.
Molecular consequence: nonsense.
Genome position (GRCh38, 1-based): chr2:73,489,821, C>G. VCF-style: chr2-73489821-C-G. GRCh37 (hg19) VCF-style: chr2-73716948-C-G.
Other names: c.7865C>G, p.Ser2622Ter (NM_015120.4); short protein forms S2621*, S2622*.
Identifiers: ClinVar variation 4815802 (VCV004815802.1).